The following is an entry in ClinVar:

NM_206933.4(USH2A):c.15601C>A (p.His5201Asn)

Gene: USH2A (usherin; minus strand). Cytogenetic location: 1q41.
Variant type: single nucleotide variant.
Coding change: c.15601C>A on transcript NM_206933.4 (MANE Select); coding-DNA position 15601, C replaced by A.
Protein change: p.His5201Asn; replaces histidine 5201 with asparagine.
Molecular consequence: missense variant.
Genome position (GRCh38, 1-based): chr1:215,625,789, G>T on the plus strand (C>A on the coding strand, the complement: USH2A is on the minus strand). VCF-style: chr1-215625789-G-T. GRCh37 (hg19) VCF-style: chr1-215799131-G-T.
Other names: short protein forms H5201N.
Identifiers: ClinVar variation 1051232 (VCV001051232.9), dbSNP rs1571912105, ClinGen allele CA344820243.

ClinVar aggregate classification (germline): Uncertain significance (1 of 4 stars; one submission).

Submission:

Labcorp Genetics (formerly Invitae), Labcorp
Classification: Uncertain significance. Last evaluated: 2020-01-19. Review status: criteria provided, single submitter. Criteria: Invitae Variant Classification Sherloc (09022015). Collection method: clinical testing. Allele origin: germline.
Comment: In summary, the available evidence is currently insufficient to determine the role of this variant in disease. Therefore, it has been classified as a Variant of Uncertain Significance. Algorithms developed to predict the effect of missense changes on protein structure and function output the following: SIFT: "Deleterious"; PolyPhen-2: "Benign"; Align-GVGD: "Class C0". The asparagine amino acid residue is found in multiple mammalian species, suggesting that this missense change does not adversely affect protein function. These predictions have not been confirmed by published functional studies and their clinical significance is uncertain. This variant has not been reported in the literature in individuals with USH2A-related conditions. This variant is not present in population databases (ExAC no frequency). This sequence change replaces histidine with asparagine at codon 5201 of the USH2A protein (p.His5201Asn). The histidine residue is highly conserved and there is a small physicochemical difference between histidine and asparagine.